The following is an entry in ClinVar:

NM_144997.7(FLCN):c.397-374T>C

Gene: FLCN (folliculin; minus strand). Cytogenetic location: 17p11.2.
Variant type: single nucleotide variant.
Coding change: c.397-374T>C on transcript NM_144997.7 (MANE Select); 374 bases into the intron before coding-DNA position 397, T replaced by C.
Molecular consequence: intron variant.
Genome position (GRCh38, 1-based): chr17:17,224,517, A>G on the plus strand (T>C on the coding strand, the complement: FLCN is on the minus strand). VCF-style: chr17-17224517-A-G. GRCh37 (hg19) VCF-style: chr17-17127831-A-G.
Other names: c.397-374T>C (NM_001353231.2, NM_001353230.2, NM_144606.7); c.397-6T>C (NM_001353229.2).
Identifiers: ClinVar variation 3048121 (VCV003048121.4), dbSNP rs377145357, ClinGen allele CA288317712.

ClinVar aggregate classification (germline): Likely benign. Review status: criteria provided, single submitter (1 of 4 stars). 2 submissions from 2 submitters: Likely benign (1). 1 of the submissions does not count toward it. Last evaluated 2025-11-26.

Conditions:
FLCN-related disorder. Also called: FLCN-related condition.
Colorectal cancer. Also called: Colorectal cancer, somatic; Malignant Colorectal Neoplasm. Identifiers: MedGen C0346629, MONDO:0005575, OMIM 114500.

Allele frequency attached by ClinVar (database versions not stated): gnomAD exomes 0.00006; TOPMed 0.00049; 1000 Genomes Project 30x 0.00016; gnomAD 0.00040.
gnomAD v4.1: 74 of 387,026 alleles (0.019%); highest among the groups gnomAD compares: African/African-American, 0.14%; no homozygotes.

Submissions (2):

Dasa
Classification: Likely benign for colorectal cancer. Last evaluated: 2025-11-26. Review status: criteria provided, single submitter. Criteria: DASA Assertion Criteria. Collection method: clinical testing. Allele origin: germline.
Comment: NM_001353229.2(FLCN):c.397-6T>C is a splice-region variant. Population frequency is inconsistent with a disease-causing role for this variant. Computational prediction algorithms are consistent with a benign effect. Therefore, based on the currently available evidence, this variant is classified as likely benign.

PreventionGenetics, part of Exact Sciences
Classification: Likely benign for FLCN-related condition. Last evaluated: 2022-12-27. Review status: no assertion criteria provided. Collection method: clinical testing. Allele origin: germline. Not counted in ClinVar's aggregate classification.
Comment: This variant is classified as likely benign based on ACMG/AMP sequence variant interpretation guidelines (Richards et al. 2015 PMID: 25741868, with internal and published modifications).